The following is an entry in ClinVar:

NM_005070.4(SLC4A3):c.371C>T (p.Pro124Leu)

Gene: SLC4A3 (solute carrier family 4 member 3; plus strand). Cytogenetic location: 2q35.
Variant type: single nucleotide variant.
Coding change: c.371C>T on transcript NM_005070.4 (MANE Select); coding-DNA position 371, C replaced by T.
Protein change: p.Pro124Leu; replaces proline 124 with leucine.
Molecular consequence: missense variant. On other transcripts: non-coding transcript variant (1).
Genome position (GRCh38, 1-based): chr2:219,629,297, C>T. VCF-style: chr2-219629297-C-T. GRCh37 (hg19) VCF-style: chr2-220494019-C-T.
Other names: c.371C>T, p.Pro124Leu (NM_001326559.2, NM_201574.3); short protein forms P124L.
Identifiers: ClinVar variation 64557 (VCV000064557.2), dbSNP rs387907531, ClinGen allele CA216399.

ClinVar aggregate classification (germline): Uncertain significance (0 of 4 stars; one submission).

Allele frequency attached by ClinVar (database versions not stated): TOPMed 0.00001; gnomAD exomes below 0.00001.

Submission:

Martin Pollak Laboratory,  Beth Israel Deaconess Medical Center
Classification: Uncertain significance. Review status: no assertion criteria provided. Collection method: not provided. Allele origin: unknown.
Comment: Higher UCa2+ group
ClinVar note: Converted during submission from unknown to Uncertain significance.